The following is an entry in ClinVar:

ClinVar aggregate classification (germline): Uncertain significance. Review status: criteria provided, multiple submitters, no conflicts (2 of 4 stars). 5 submissions from 5 submitters: Uncertain significance (5). Last evaluated 2024-06-17.

Conditions:
Arrhythmogenic right ventricular cardiomyopathy (ARVD). Also called: Arrhythmogenic cardiomyopathy; Cardiomyopathy, ARVC; Arrhythmogenic right ventricular dysplasia; Arrhythmogenic Right Ventricular Cardiomyopathy (ARVC). Identifiers: Orphanet 247, MedGen C0349788, MeSH D019571, MONDO:0016587. Disease mechanism: loss of function. Inheritance: Various modes of inheritance.
Cardiomyopathy (CMYO). Also called: Cardiomyopathies. Identifiers: Orphanet 167848, MedGen C0878544, MONDO:0004994, HP:0001638. Inheritance: Various modes of inheritance.
Cardiovascular phenotype. Identifiers: MedGen CN230736.
Arrhythmogenic right ventricular dysplasia 9 (ARVD9). Also called: Arrhythmogenic Right Ventricular Dysplasia/Cardiomyopathy 9; ARRHYTHMOGENIC RIGHT VENTRICULAR DYSPLASIA, FAMILIAL, 9. Identifiers: MedGen C1836906, MONDO:0012180, OMIM 609040.

Allele frequency attached by ClinVar (database versions not stated): gnomAD exomes 0.00002; ExAC 0.00003.
gnomAD v4.1: 12 of 1,609,244 alleles (0.00075%); highest among the groups gnomAD compares: East Asian, 0.027%; no homozygotes.

Submissions (5):

GeneDx
Classification: Uncertain significance. Last evaluated: 2024-06-17. Review status: criteria provided, single submitter. Criteria: GeneDx Variant Classification Process June 2021. Collection method: clinical testing. Allele origin: germline. Affected: yes.
Comment: Identified in a patient with DCM and VT in published literature (PMID: 33552729); Not observed at significant frequency in large population cohorts (gnomAD); In silico analysis indicates that this missense variant does not alter protein structure/function; This variant is associated with the following publications: (PMID: 33552729)

Ambry Genetics
Classification: Uncertain significance for Cardiovascular phenotype. Last evaluated: 2024-02-07. Review status: criteria provided, single submitter. Criteria: Ambry Variant Classification Scheme 2023. Collection method: clinical testing. Allele origin: germline.
Comment: The p.D96E variant (also known as c.288T>G), located in coding exon 2 of the PKP2 gene, results from a T to G substitution at nucleotide position 288. The aspartic acid at codon 96 is replaced by glutamic acid, an amino acid with highly similar properties. This variant has been detected in an individual with dilated cardiomyopathy and ventricular tachycardia (Guelly C et al. PeerJ, 2021 Jan;9:e10711). This amino acid position is well conserved in available vertebrate species. In addition, this alteration is predicted to be tolerated by in silico analysis. Based on the available evidence, the clinical significance of this alteration remains unclear.

All of Us Research Program, National Institutes of Health
Classification: Uncertain significance for Arrhythmogenic right ventricular cardiomyopathy. Last evaluated: 2023-11-20. Review status: criteria provided, single submitter. Criteria: ACMG Guidelines, 2015. Collection method: clinical testing. Allele origin: germline. Inheritance: Autosomal dominant inheritance. Observed: 1 variant allele, 1 heterozygote.
Comment: This missense variant replaces aspartic acid with glutamic acid at codon 96 of the PKP2 protein. Computational prediction suggests that this variant may not impact protein structure and function (internally defined REVEL score threshold <= 0.5, PMID: 27666373). To our knowledge, functional studies have not been reported for this variant. This variant has been reported in an individual affected with dilated cardiomyopathy and ventricular tachycardia (PMID: 33552729). This variant has been identified in 5/251422 chromosomes in the general population by the Genome Aggregation Database (gnomAD). The available evidence is insufficient to determine the role of this variant in disease conclusively. Therefore, this variant is classified as a Variant of Uncertain Significance.

This study involves interpretation of variants in research participants for the purpose of population health screening. Participant phenotype was not available at the time of variant classification. Additional details can be found in publication PMID: 35346344, PMCID: PMC8962531

Color Diagnostics, LLC DBA Color Health
Classification: Uncertain significance for Cardiomyopathy. Last evaluated: 2023-10-25. Review status: criteria provided, single submitter. Criteria: ACMG Guidelines, 2015. Collection method: clinical testing. Allele origin: germline.
Comment: This missense variant replaces aspartic acid with glutamic acid at codon 96 of the PKP2 protein. Computational prediction suggests that this variant may not impact protein structure and function (internally defined REVEL score threshold <= 0.5, PMID: 27666373). To our knowledge, functional studies have not been reported for this variant. This variant has been reported in an individual affected with dilated cardiomyopathy and ventricular tachycardia (PMID: 33552729). This variant has been identified in 5/251422 chromosomes in the general population by the Genome Aggregation Database (gnomAD). The available evidence is insufficient to determine the role of this variant in disease conclusively. Therefore, this variant is classified as a Variant of Uncertain Significance.

Labcorp Genetics (formerly Invitae), Labcorp
Classification: Uncertain significance for Arrhythmogenic right ventricular dysplasia 9. Last evaluated: 2021-09-02. Review status: criteria provided, single submitter. Criteria: Invitae Variant Classification Sherloc (09022015). Collection method: clinical testing. Allele origin: germline.
Comment: This sequence change replaces aspartic acid with glutamic acid at codon 96 of the PKP2 protein (p.Asp96Glu). The aspartic acid residue is moderately conserved and there is a small physicochemical difference between aspartic acid and glutamic acid. This variant is present in population databases (rs762825735, ExAC 0.05%). This variant has not been reported in the literature in individuals affected with PKP2-related conditions. ClinVar contains an entry for this variant (Variation ID: 927429). Algorithms developed to predict the effect of missense changes on protein structure and function (SIFT, PolyPhen-2, Align-GVGD) all suggest that this variant is likely to be tolerated. In summary, the available evidence is currently insufficient to determine the role of this variant in disease. Therefore, it has been classified as a Variant of Uncertain Significance.

Literature cited by the submitters: PubMed 33552729 (cited by 3 submitters).

NM_001005242.3(PKP2):c.288T>G (p.Asp96Glu)

Gene: PKP2 (plakophilin 2; minus strand). Cytogenetic location: 12p11.21.
Variant type: single nucleotide variant.
Coding change: c.288T>G on transcript NM_001005242.3 (MANE Select); coding-DNA position 288, T replaced by G.
Protein change: p.Asp96Glu; replaces aspartic acid 96 with glutamic acid.
Molecular consequence: missense variant.
Genome position (GRCh38, 1-based): chr12:32,878,968, A>C on the plus strand (T>G on the coding strand, the complement: PKP2 is on the minus strand). VCF-style: chr12-32878968-A-C. GRCh37 (hg19) VCF-style: chr12-33031902-A-C.
Other names: c.288T>G, p.Asp96Glu (NM_004572.4); short protein forms D96E.
Identifiers: ClinVar variation 927429 (VCV000927429.9), dbSNP rs762825735, ClinGen allele CA036455.